The following is an entry in ClinVar:

ClinVar aggregate classification (germline): Likely benign. Review status: criteria provided, multiple submitters, no conflicts (2 of 4 stars). 3 submissions from 3 submitters: Likely benign (3). Last evaluated 2026-04-01.

Conditions:
Primary ciliary dyskinesia. Also called: Ciliary dyskinesia. Identifiers: Orphanet 244, MedGen C0008780, MONDO:0016575, HP:0012265.

Allele frequency attached by ClinVar (database versions not stated): ESP Exome Variant Server 0.00008.
gnomAD v4.1: 33 of 1,610,666 alleles (0.002%); highest among the groups gnomAD compares: Non-Finnish European, 0.0024%; no homozygotes.

Submissions (3):

CeGaT Center for Human Genetics Tuebingen
Classification: Likely benign. Last evaluated: 2026-04-01. Review status: criteria provided, single submitter. Criteria: CeGaT Center For Human Genetics Tuebingen Variant Classification Criteria Version 2. Collection method: clinical testing. Allele origin: germline. Affected: yes. Observed: 1 variant allele.
Comment: DNAH11: BP4, BP7

Labcorp Genetics (formerly Invitae), Labcorp
Classification: Likely benign for Primary ciliary dyskinesia. Last evaluated: 2023-12-30. Review status: criteria provided, single submitter. Criteria: Invitae Variant Classification Sherloc (09022015). Collection method: clinical testing. Allele origin: germline.

Ambry Genetics
Classification: Likely benign for Primary ciliary dyskinesia. Last evaluated: 2020-04-06. Review status: criteria provided, single submitter. Criteria: Ambry Variant Classification Scheme 2023. Collection method: clinical testing. Allele origin: germline.

NM_001277115.2(DNAH11):c.3588G>T (p.Thr1196=)

Gene: DNAH11 (dynein axonemal heavy chain 11; plus strand). Cytogenetic location: 7p15.3.
Variant type: single nucleotide variant.
Coding change: c.3588G>T on transcript NM_001277115.2 (MANE Select); coding-DNA position 3588, G replaced by T.
Protein change: p.Thr1196=; no amino-acid change (threonine 1196 retained).
Molecular consequence: synonymous variant.
Genome position (GRCh38, 1-based): chr7:21,601,558, G>T. VCF-style: chr7-21601558-G-T. GRCh37 (hg19) VCF-style: chr7-21641176-G-T.
Other names: c.3588G>T, p.Thr1196= (NM_003777.3).
Identifiers: ClinVar variation 1732961 (VCV001732961.7), dbSNP rs375767160, ClinGen allele CA4179677.